The following is an entry in ClinVar:

NM_182961.4(SYNE1):c.19586C>T (p.Ala6529Val)

Gene: SYNE1 (spectrin repeat containing nuclear envelope protein 1; minus strand). Cytogenetic location: 6q25.2.
Variant type: single nucleotide variant.
Coding change: c.19586C>T on transcript NM_182961.4 (MANE Select); coding-DNA position 19586, C replaced by T.
Protein change: p.Ala6529Val; replaces alanine 6529 with valine.
Molecular consequence: missense variant.
Genome position (GRCh38, 1-based): chr6:152,244,643, G>A on the plus strand (C>T on the coding strand, the complement: SYNE1 is on the minus strand). VCF-style: chr6-152244643-G-A. GRCh37 (hg19) VCF-style: chr6-152565778-G-A.
Other names: c.19373C>T, p.Ala6458Val (NM_033071.5); short protein forms A6458V, A6529V.
Identifiers: ClinVar variation 586721 (VCV000586721.7), dbSNP rs1413633616, ClinGen allele CA366131204.

ClinVar aggregate classification (germline): Uncertain significance. Review status: criteria provided, multiple submitters, no conflicts (2 of 4 stars). 3 submissions from 3 submitters: Uncertain significance (3). Last evaluated 2025-03-10.

Allele frequency attached by ClinVar (database versions not stated): TOPMed 0.00001; gnomAD 0.00001; gnomAD exomes 0.00001 and below 0.00001.
gnomAD v4.1: 17 of 1,613,766 alleles (0.0011%); highest among the groups gnomAD compares: Non-Finnish European, 0.0014%; no homozygotes.

Submissions (3):

Revvity Omics, Revvity
Classification: Uncertain significance. Last evaluated: 2025-03-10. Review status: criteria provided, single submitter. Criteria: ACMG Guidelines, 2015. Collection method: clinical testing. Allele origin: germline.

Athena Diagnostics
Classification: Uncertain significance. Last evaluated: 2022-06-13. Review status: criteria provided, single submitter. Criteria: Athena Diagnostics Criteria. Collection method: clinical testing. Allele origin: unknown.

GeneDx
Classification: Uncertain significance. Last evaluated: 2022-04-09. Review status: criteria provided, single submitter. Criteria: GeneDx Variant Classification Process June 2021. Collection method: clinical testing. Allele origin: germline. Affected: yes.
Comment: Not observed at significant frequency in large population cohorts (gnomAD); In silico analysis supports that this missense variant has a deleterious effect on protein structure/function; Has not been previously published as pathogenic or benign to our knowledge